The following is an entry in ClinVar:

ClinVar aggregate classification (germline): Pathogenic (1 of 4 stars; one submission).

Conditions:
Autosomal recessive nonsyndromic hearing loss 77. Identifiers: Orphanet 90636, MedGen C2746083, MONDO:0013119, OMIM 613079.

Submission:

Victorian Clinical Genetics Services, Murdoch Childrens Research Institute
Classification: Pathogenic for Autosomal recessive nonsyndromic hearing loss 77. Last evaluated: 2026-06-18. Review status: criteria provided, single submitter. Criteria: ACMG Guidelines, 2015. Collection method: clinical testing. Allele origin: germline. Affected: yes.
Comment: This variant is classified as Pathogenic. Evidence in support of pathogenic classification: Variant is predicted to cause nonsense-mediated decay (NMD) and loss of protein (premature termination codon is located at least 54 nucleotides upstream of the final exon-exon junction); Variant is absent from gnomAD (v2, v3 and v4); Other NMD-predicted variant(s) comparable to the one identified in this case have very strong previous evidence for pathogenicity (DECIPHER). Additional information: This variant is homozygous; This gene is associated with autosomal recessive disease; Loss of function is a known mechanism of disease in this gene and is associated with autosomal recessive deafness 77 (MIM#613079).

NM_001384474.1(LOXHD1):c.2115C>A (p.Tyr705Ter)

Gene: LOXHD1 (lipoxygenase homology PLAT domains 1; minus strand). Cytogenetic location: 18q21.1.
Variant type: single nucleotide variant.
Coding change: c.2115C>A on transcript NM_001384474.1 (MANE Select); coding-DNA position 2115, C replaced by A.
Protein change: p.Tyr705Ter; replaces tyrosine 705 with a stop codon.
Molecular consequence: nonsense.
Genome position (GRCh38, 1-based): chr18:46,569,571, G>T on the plus strand (C>A on the coding strand, the complement: LOXHD1 is on the minus strand). VCF-style: chr18-46569571-G-T. GRCh37 (hg19) VCF-style: chr18-44149534-G-T.
Other names: c.2115C>A, p.Tyr705Ter (NM_144612.7); short protein forms Y705*.
Identifiers: ClinVar variation 4879660 (VCV004879660.1).